The following is an entry in ClinVar:

NM_001256789.3(CACNA1F):c.544C>T (p.Gln182Ter)

Gene: CACNA1F (calcium voltage-gated channel subunit alpha1 F; minus strand). Cytogenetic location: Xp11.23.
Variant type: single nucleotide variant.
Coding change: c.544C>T on transcript NM_001256789.3 (MANE Select); coding-DNA position 544, C replaced by T.
Protein change: p.Gln182Ter; replaces glutamine 182 with a stop codon.
Molecular consequence: nonsense.
Genome position (GRCh38, 1-based): chrX:49,230,587, G>A on the plus strand (C>T on the coding strand, the complement: CACNA1F is on the minus strand). VCF-style: chrX-49230587-G-A. GRCh37 (hg19) VCF-style: chrX-49087049-G-A.
Other names: c.349C>T, p.Gln117Ter (NM_001256790.3); c.544C>T, p.Gln182Ter (NM_005183.4); short protein forms Q182*, Q117*.
Identifiers: ClinVar variation 2759394 (VCV002759394.3), dbSNP rs2519138333, ClinGen allele CA412925593.

ClinVar aggregate classification (germline): Pathogenic (1 of 4 stars; one submission).

Submission:

Labcorp Genetics (formerly Invitae), Labcorp
Classification: Pathogenic. Last evaluated: 2023-12-28. Review status: criteria provided, single submitter. Criteria: Invitae Variant Classification Sherloc (09022015). Collection method: clinical testing. Allele origin: germline.
Comment: This sequence change creates a premature translational stop signal (p.Gln182*) in the CACNA1F gene. It is expected to result in an absent or disrupted protein product. Loss-of-function variants in CACNA1F are known to be pathogenic (PMID: 9662399, 11281458, 17525176, 22194652, 24124559, 26992781). This variant is not present in population databases (gnomAD no frequency). This variant has not been reported in the literature in individuals affected with CACNA1F-related conditions. For these reasons, this variant has been classified as Pathogenic.

Literature cited by the submitters: PubMed 9662399; PubMed 11281458; PubMed 17525176; PubMed 22194652; PubMed 24124559; PubMed 26992781.